The following is an entry in ClinVar:

NM_000548.5(TSC2):c.4352G>A (p.Arg1451His)

Gene: TSC2 (TSC complex subunit 2; plus strand). Cytogenetic location: 16p13.3.
Variant type: single nucleotide variant.
Coding change: c.4352G>A on transcript NM_000548.5 (MANE Select); coding-DNA position 4352, G replaced by A.
Protein change: p.Arg1451His; replaces arginine 1451 with histidine.
Molecular consequence: missense variant.
Genome position (GRCh38, 1-based): chr16:2,084,574, G>A. VCF-style: chr16-2084574-G-A. GRCh37 (hg19) VCF-style: chr16-2134575-G-A.
Other names: c.4352G>A (NM_000548.4); c.4151G>A, p.Arg1384His (NM_001077183.3); c.4283G>A, p.Arg1428His (NM_001114382.3); c.4043G>A, p.Arg1348His (NM_001318827.2); c.4007G>A, p.Arg1336His (NM_001318829.2); c.3620G>A, p.Arg1207His (NM_001318831.2); c.4184G>A, p.Arg1395His (NM_001318832.2); c.4154G>A, p.Arg1385His (NM_001363528.2); and 2 more; short protein forms R1451H, R1336H, R1348H, R1428H, R1207H, R1384H, R1385H, R1395H.
Identifiers: ClinVar variation 238046 (VCV000238046.26), dbSNP rs142848358, ClinGen allele CA050956.

ClinVar aggregate classification (germline): Conflicting classifications of pathogenicity. Review status: criteria provided, conflicting classifications (1 of 4 stars). 8 submissions from 8 submitters: Uncertain significance (1); Benign (2); Likely benign (5). Last evaluated 2026-04-27.

Conditions:
TSC2-related disorder. Also called: TSC2-related condition; TSC2-Related Disorders.
Hereditary cancer-predisposing syndrome. Also called: Neoplastic Syndromes, Hereditary; Hereditary neoplastic syndrome; Hereditary Cancer Syndrome; Tumor predisposition. Identifiers: Orphanet 140162, MedGen C0027672, MeSH D009386, MONDO:0015356.
Tuberous sclerosis syndrome (TSC). Also called: Tuberous sclerosis; Tuberous Sclerosis Complex. Identifiers: Orphanet 805, MedGen C0041341, MONDO:0001734.
Tuberous sclerosis 2 (TSC2). Identifiers: Orphanet 805, MedGen C1860707, MONDO:0013199, OMIM 613254.

Allele frequency attached by ClinVar (database versions not stated): gnomAD exomes 0.00001 and 0.00004; ExAC 0.00006; gnomAD 0.00011 and 0.00012; TOPMed 0.00012; ESP Exome Variant Server 0.00015.
gnomAD v4.1: 31 of 1,607,104 alleles (0.0019%); highest among the groups gnomAD compares: African/African-American, 0.029%; no homozygotes.

Submissions (8):

PreventionGenetics, part of Exact Sciences
Classification: Likely benign for TSC2-related condition. Last evaluated: 2026-04-27. Review status: criteria provided, single submitter. Criteria: ACMG Guidelines, 2015. Collection method: clinical testing. Allele origin: germline.
Comment: This variant is classified as likely benign based on ACMG/AMP sequence variant interpretation guidelines (Richards et al. 2015 PMID: 25741868, with internal and published modifications).

Labcorp Genetics (formerly Invitae), Labcorp
Classification: Benign for Tuberous sclerosis 2. Last evaluated: 2026-01-26. Review status: criteria provided, single submitter. Criteria: Invitae Variant Classification Sherloc (09022015). Collection method: clinical testing. Allele origin: germline.

Myriad Genetics, Inc.
Classification: Likely benign for Tuberous sclerosis 2. Last evaluated: 2024-08-20. Review status: criteria provided, single submitter. Criteria: Myriad Autosomal Dominant, Autosomal Recessive and X-Linked Classification Criteria (2023). Collection method: clinical testing. Allele origin: unknown.
Comment: This variant is considered likely benign. This variant has been observed at a population frequency that is significantly greater than expected given the associated disease prevalence and penetrance.

Revvity Omics, Revvity
Classification: Uncertain significance for Tuberous sclerosis 2. Last evaluated: 2023-07-25. Review status: criteria provided, single submitter. Criteria: ACMG Guidelines, 2015. Collection method: clinical testing. Allele origin: germline.

Color Diagnostics, LLC DBA Color Health
Classification: Likely benign for Tuberous sclerosis syndrome. Last evaluated: 2022-10-07. Review status: criteria provided, single submitter. Criteria: ACMG Guidelines, 2015. Collection method: clinical testing. Allele origin: germline.

Genome-Nilou Lab
Classification: Benign for Tuberous sclerosis 2. Last evaluated: 2021-11-07. Review status: criteria provided, single submitter. Criteria: ACMG Guidelines, 2015. Collection method: clinical testing. Allele origin: germline. Affected: no.

GeneDx
Classification: Likely benign. Last evaluated: 2021-01-14. Review status: criteria provided, single submitter. Criteria: GeneDx Variant Classification Process June 2021. Collection method: clinical testing. Allele origin: germline. Affected: yes.

Ambry Genetics
Classification: Likely benign for Hereditary cancer-predisposing syndrome. Last evaluated: 2019-11-15. Review status: criteria provided, single submitter. Criteria: Ambry Variant Classification Scheme 2023. Collection method: clinical testing. Allele origin: germline.